The following is an entry in ClinVar:

ClinVar aggregate classification (germline): Uncertain significance. Review status: criteria provided, multiple submitters, no conflicts (2 of 4 stars). 2 submissions from 2 submitters: Uncertain significance (2). Last evaluated 2024-11-12.

Conditions:
Inborn genetic diseases. Identifiers: MedGen C0950123, MeSH D030342.

Allele frequency attached by ClinVar (database versions not stated): ExAC 0.00001; gnomAD 0.00003; gnomAD exomes 0.00003; TOPMed 0.00003.
gnomAD v4.1: 42 of 1,614,110 alleles (0.0026%); highest among the groups gnomAD compares: Non-Finnish European, 0.0033%; no homozygotes.

Submissions (2):

Ambry Genetics
Classification: Uncertain significance for Inborn genetic diseases. Last evaluated: 2024-11-12. Review status: criteria provided, single submitter. Criteria: Ambry Variant Classification Scheme 2023. Collection method: clinical testing. Allele origin: germline.

Labcorp Genetics (formerly Invitae), Labcorp
Classification: Uncertain significance. Last evaluated: 2022-05-22. Review status: criteria provided, single submitter. Criteria: Invitae Variant Classification Sherloc (09022015). Collection method: clinical testing. Allele origin: germline.
Comment: This sequence change replaces threonine, which is neutral and polar, with serine, which is neutral and polar, at codon 3114 of the SRCAP protein (p.Thr3114Ser). This variant is present in population databases (rs760945524, gnomAD 0.002%). This variant has not been reported in the literature in individuals affected with SRCAP-related conditions. Algorithms developed to predict the effect of missense changes on protein structure and function are either unavailable or do not agree on the potential impact of this missense change (SIFT: "Tolerated"; PolyPhen-2: "Not Available"; Align-GVGD: "Class C0"). Algorithms developed to predict the effect of sequence changes on RNA splicing suggest that this variant may create or strengthen a splice site. In summary, the available evidence is currently insufficient to determine the role of this variant in disease. Therefore, it has been classified as a Variant of Uncertain Significance.

NM_006662.3(SRCAP):c.9341C>G (p.Thr3114Ser)

Gene: SRCAP (Snf2 related CREBBP activator protein; plus strand). Cytogenetic location: 16p11.2.
Variant type: single nucleotide variant.
Coding change: c.9341C>G on transcript NM_006662.3 (MANE Select); coding-DNA position 9341, C replaced by G.
Protein change: p.Thr3114Ser; replaces threonine 3114 with serine.
Molecular consequence: missense variant.
Genome position (GRCh38, 1-based): chr16:30,739,381, C>G. VCF-style: chr16-30739381-C-G. GRCh37 (hg19) VCF-style: chr16-30750702-C-G.
Other names: c.9341C>G (NM_006662.2); short protein forms T3114S.
Identifiers: ClinVar variation 2180110 (VCV002180110.2), dbSNP rs760945524, ClinGen allele CA8012896.
Genomic context (GRCh38, chr16:30,739,381, plus strand): 5'-TGGACTTAGCAGATAGCGGGCCAGGCGGGTTGGAATTGACACCACCTGTGGTCTCACTAA[C>G]CCCAAAACTGCGCTCGACCCGGCTGCGTCCAGGGTCTCTAGTCCCCCCACTAGAGACTGA-3'
Protein context (NP_006653.2, residues 3104-3124): LELTPPVVSL[Thr3114Ser]PKLRSTRLRP